The following is an entry in ClinVar:

ClinVar aggregate classification (germline): Uncertain significance (1 of 4 stars; one submission).

gnomAD v4.1: 3 of 1,613,374 alleles (0.00019%); highest among the groups gnomAD compares: Admixed American, 0.0017%; no homozygotes.

Submission:

Labcorp Genetics (formerly Invitae), Labcorp
Classification: Uncertain significance. Last evaluated: 2022-11-08. Review status: criteria provided, single submitter. Criteria: Invitae Variant Classification Sherloc (09022015). Collection method: clinical testing. Allele origin: germline.
Comment: In summary, the available evidence is currently insufficient to determine the role of this variant in disease. Therefore, it has been classified as a Variant of Uncertain Significance. Algorithms developed to predict the effect of missense changes on protein structure and function are either unavailable or do not agree on the potential impact of this missense change (SIFT: "Not Available"; PolyPhen-2: "Possibly Damaging"; Align-GVGD: "Not Available"). ClinVar contains an entry for this variant (Variation ID: 1524215). This variant has not been reported in the literature in individuals affected with HGF-related conditions. This variant is present in population databases (no rsID available, gnomAD 0.003%). This sequence change replaces arginine with proline at codon 468 of the HGF protein (p.Arg468Pro). The arginine residue is moderately conserved and there is a moderate physicochemical difference between arginine and proline.

NM_000601.6(HGF):c.1403G>C (p.Arg468Pro)

Gene: HGF (hepatocyte growth factor; minus strand). Cytogenetic location: 7q21.11.
Variant type: single nucleotide variant.
Coding change: c.1403G>C on transcript NM_000601.6 (MANE Select); coding-DNA position 1403, G replaced by C.
Protein change: p.Arg468Pro; replaces arginine 468 with proline.
Molecular consequence: missense variant.
Genome position (GRCh38, 1-based): chr7:81,717,234, C>G on the plus strand (G>C on the coding strand, the complement: HGF is on the minus strand). VCF-style: chr7-81717234-C-G. GRCh37 (hg19) VCF-style: chr7-81346550-C-G.
Other names: c.1388G>C, p.Arg463Pro (NM_001010932.3); short protein forms R463P, R468P.
Identifiers: ClinVar variation 1524215 (VCV001524215.6), dbSNP rs148293411, ClinGen allele CA367873640.
Genomic context (GRCh38, chr7:81,717,234, plus strand): 5'-GATGAAATGTAGTACATTTAAAATATTTCACAAGACACCAATCCCTAACTGTACTTACAA[C>G]GAGAAATAGGGCAATAATCCCAAGGAATGAGTGGATTTCCCGTGTAGCACCAGGGTCCAT-3'
Protein context (NP_000592.3, residues 458-478): LIPWDYCPIS[Arg468Pro]CEGDTTPTIV